The following is an entry in ClinVar:

ClinVar aggregate classification (germline): Uncertain significance (1 of 4 stars; one submission).

Submission:

GeneDx
Classification: Uncertain significance. Last evaluated: 2023-12-17. Review status: criteria provided, single submitter. Criteria: GeneDx Variant Classification Process June 2021. Collection method: clinical testing. Allele origin: germline. Affected: yes.
Comment: Not observed at significant frequency in large population cohorts (gnomAD); In silico analysis supports that this missense variant does not alter protein structure/function; Has not been previously published as pathogenic or benign to our knowledge

NM_002025.4(AFF2):c.3298G>A (p.Ala1100Thr)

Gene: AFF2 (ALF transcription elongation factor 2; plus strand). Cytogenetic location: Xq28.
Variant type: single nucleotide variant.
Coding change: c.3298G>A on transcript NM_002025.4 (MANE Select); coding-DNA position 3298, G replaced by A.
Protein change: p.Ala1100Thr; replaces alanine 1100 with threonine.
Molecular consequence: missense variant.
Genome position (GRCh38, 1-based): chrX:148,973,501, G>A. VCF-style: chrX-148973501-G-A. GRCh37 (hg19) VCF-style: chrX-148055031-G-A.
Other names: c.3193G>A, p.Ala1065Thr (NM_001169122.2, NM_001169124.2); c.3268G>A, p.Ala1090Thr (NM_001169123.2); c.3181G>A, p.Ala1061Thr (NM_001169125.2); c.2221G>A, p.Ala741Thr (NM_001170628.1); short protein forms A1061T, A1065T, A1090T, A1100T, A741T.
Identifiers: ClinVar variation 3365767 (VCV003365767.1).